The following is an entry in ClinVar:

ClinVar aggregate classification (germline): Uncertain significance. Review status: criteria provided, multiple submitters, no conflicts (2 of 4 stars). 2 submissions from 2 submitters: Uncertain significance (2). Last evaluated 2025-12-08.

Conditions:
Inborn genetic diseases. Identifiers: MedGen C0950123, MeSH D030342.
Mucopolysaccharidosis type 1. Also called: IDUA deficiency; MPS I; Mucopolysaccharidosis Type I. Identifiers: Orphanet 579, MedGen C0023786, MONDO:0001586.

gnomAD v4.1: 16 of 1,483,250 alleles (0.0011%); highest among the groups gnomAD compares: Non-Finnish European, 0.0014%; no homozygotes.

Submissions (2):

Labcorp Genetics (formerly Invitae), Labcorp
Classification: Uncertain significance for Mucopolysaccharidosis type 1. Last evaluated: 2025-12-08. Review status: criteria provided, single submitter. Criteria: Invitae Variant Classification Sherloc (09022015). Collection method: clinical testing. Allele origin: germline.
Comment: This sequence change replaces serine, which is neutral and polar, with tryptophan, which is neutral and slightly polar, at codon 406 of the IDUA protein (p.Ser406Trp). This variant is not present in population databases (gnomAD no frequency). This variant has not been reported in the literature in individuals affected with IDUA-related conditions. Invitae Evidence Modeling of protein sequence and biophysical properties (such as structural, functional, and spatial information, amino acid conservation, physicochemical variation, residue mobility, and thermodynamic stability) indicates that this missense variant is expected to disrupt IDUA protein function with a positive predictive value of 80%. In summary, the available evidence is currently insufficient to determine the role of this variant in disease. Therefore, it has been classified as a Variant of Uncertain Significance.

Ambry Genetics
Classification: Uncertain significance for Inborn genetic diseases. Last evaluated: 2025-09-26. Review status: criteria provided, single submitter. Criteria: Ambry Variant Classification Scheme 2023. Collection method: clinical testing. Allele origin: germline.

NM_000203.5(IDUA):c.1217C>G (p.Ser406Trp)

Gene: IDUA (alpha-L-iduronidase; plus strand). Cytogenetic location: 4p16.3.
Variant type: single nucleotide variant.
Coding change: c.1217C>G on transcript NM_000203.5 (MANE Select); coding-DNA position 1217, C replaced by G.
Protein change: p.Ser406Trp; replaces serine 406 with tryptophan.
Molecular consequence: missense variant. On other transcripts: non-coding transcript variant (1).
Genome position (GRCh38, 1-based): chr4:1,002,759, C>G. VCF-style: chr4-1002759-C-G. GRCh37 (hg19) VCF-style: chr4-996547-C-G.
Other names: c.821C>G, p.Ser274Trp (NM_001363576.1); short protein forms S274W, S406W.
Identifiers: ClinVar variation 4621920 (VCV004621920.2).
Genomic context (GRCh38, chr4:1,002,759, plus strand): 5'-CCCACGCGGCGACGGCCCCCCCCCGCCCCGCAGATGAGGAGCAGCTCTGGGCCGAAGTGT[C>G]GCAGGCCGGGACCGTCCTGGACAGCAACCACACGGTGGGCGTCCTGGCCAGCGCCCACCG-3'
Protein context (NP_000194.2, residues 396-416): LDEEQLWAEV[Ser406Trp]QAGTVLDSNH